The following is an entry in ClinVar:

NM_001130823.3(DNMT1):c.4685G>A (p.Arg1562His)

Genes: DNMT1 (DNA methyltransferase 1; minus strand), LOC126862853 (CDK7 strongly-dependent group 2 enhancer GRCh37_chr19:10246117-10247316; plus strand). Cytogenetic location: 19p13.2.
Variant type: single nucleotide variant.
Coding change: c.4685G>A on transcript NM_001130823.3 (MANE Select); coding-DNA position 4685, G replaced by A.
Protein change: p.Arg1562His; replaces arginine 1562 with histidine.
Molecular consequence: missense variant.
Genome position (GRCh38, 1-based): chr19:10,135,824, C>T on the plus strand (G>A on the coding strand, the complement: DNMT1 is on the minus strand). VCF-style: chr19-10135824-C-T. GRCh37 (hg19) VCF-style: chr19-10246500-C-T.
Other names: c.4646G>A, p.Arg1549His (NM_001318730.2); c.4322G>A, p.Arg1441His (NM_001318731.2); c.4637G>A, p.Arg1546His (NM_001379.4); short protein forms R1441H, R1562H, R1546H, R1549H.
Identifiers: ClinVar variation 2773164 (VCV002773164.3), dbSNP rs2513765522, ClinGen allele CA403968111.

ClinVar aggregate classification (germline): Uncertain significance (1 of 4 stars; one submission).

Conditions:
Hereditary sensory neuropathy-deafness-dementia syndrome. Also called: NEUROPATHY, HEREDITARY SENSORY, WITH HEARING LOSS AND DEMENTIA; Hereditary Sensory and Autonomic Neuropathy Type 1E (HSAN1E); Hereditary sensory neuropathy type IE; HSN IE. Identifiers: Orphanet 456318, MedGen C3279885, MONDO:0013584, OMIM 614116.

Submission:

Labcorp Genetics (formerly Invitae), Labcorp
Classification: Uncertain significance for Hereditary sensory neuropathy-deafness-dementia syndrome. Last evaluated: 2023-11-01. Review status: criteria provided, single submitter. Criteria: Invitae Variant Classification Sherloc (09022015). Collection method: clinical testing. Allele origin: germline.
Comment: This sequence change replaces arginine, which is basic and polar, with histidine, which is basic and polar, at codon 1562 of the DNMT1 protein (p.Arg1562His). This variant is not present in population databases (gnomAD no frequency). This variant has not been reported in the literature in individuals affected with DNMT1-related conditions. Advanced modeling of protein sequence and biophysical properties (such as structural, functional, and spatial information, amino acid conservation, physicochemical variation, residue mobility, and thermodynamic stability) performed at Invitae indicates that this missense variant is expected to disrupt DNMT1 protein function with a positive predictive value of 80%. In summary, the available evidence is currently insufficient to determine the role of this variant in disease. Therefore, it has been classified as a Variant of Uncertain Significance.